The following is an entry in ClinVar:

ClinVar aggregate classification (germline): Uncertain significance. Review status: criteria provided, multiple submitters, no conflicts (2 of 4 stars). 2 submissions from 2 submitters: Uncertain significance (2). Last evaluated 2024-04-02.

Conditions:
Congenital muscular dystrophy due to integrin alpha-7 deficiency. Also called: MYOPATHY, CONGENITAL, DUE TO INTEGRIN ALPHA-7 DEFICIENCY; Congenital muscular dystrophy with integrin alpha-7 deficiency; Muscular dystrophy, congenital, due to ITGA7 deficiency. Identifiers: Orphanet 34520, MedGen C2750786, MONDO:0013177, OMIM 613204.

Allele frequency attached by ClinVar (database versions not stated): ExAC 0.00001; gnomAD 0.00001; gnomAD exomes 0.00001; TOPMed 0.00002; ESP Exome Variant Server 0.00008.
gnomAD v4.1: 74 of 1,613,944 alleles (0.0046%); highest among the groups gnomAD compares: Non-Finnish European, 0.0063%; no homozygotes.

Submissions (2):

Revvity Omics, Revvity
Classification: Uncertain significance for Congenital muscular dystrophy due to integrin alpha-7 deficiency. Last evaluated: 2024-04-02. Review status: criteria provided, single submitter. Criteria: ACMG Guidelines, 2015. Collection method: clinical testing. Allele origin: germline.

Labcorp Genetics (formerly Invitae), Labcorp
Classification: Uncertain significance for Congenital muscular dystrophy due to integrin alpha-7 deficiency. Last evaluated: 2022-08-15. Review status: criteria provided, single submitter. Criteria: Invitae Variant Classification Sherloc (09022015). Collection method: clinical testing. Allele origin: germline.
Comment: Algorithms developed to predict the effect of sequence changes on RNA splicing suggest that this variant may create or strengthen a splice site. In summary, the available evidence is currently insufficient to determine the role of this variant in disease. Therefore, it has been classified as a Variant of Uncertain Significance. Algorithms developed to predict the effect of missense changes on protein structure and function output the following: SIFT: "Tolerated"; PolyPhen-2: "Benign"; Align-GVGD: "Class C0". The glutamine amino acid residue is found in multiple mammalian species, which suggests that this missense change does not adversely affect protein function. ClinVar contains an entry for this variant (Variation ID: 1431356). This variant has not been reported in the literature in individuals affected with ITGA7-related conditions. This variant is present in population databases (rs377143386, gnomAD 0.002%). This sequence change replaces histidine, which is basic and polar, with glutamine, which is neutral and polar, at codon 479 of the ITGA7 protein (p.His479Gln).

NM_002206.3(ITGA7):c.1437T>G (p.His479Gln)

Gene: ITGA7 (integrin subunit alpha 7; minus strand). Cytogenetic location: 12q13.2.
Variant type: single nucleotide variant.
Coding change: c.1437T>G on transcript NM_002206.3 (MANE Select); coding-DNA position 1437, T replaced by G.
Protein change: p.His479Gln; replaces histidine 479 with glutamine.
Molecular consequence: missense variant.
Genome position (GRCh38, 1-based): chr12:55,697,519, A>C on the plus strand (T>G on the coding strand, the complement: ITGA7 is on the minus strand). VCF-style: chr12-55697519-A-C. GRCh37 (hg19) VCF-style: chr12-56091303-A-C.
Other names: c.1449T>G, p.His483Gln (NM_001144996.2, NM_001414029.1); c.1158T>G, p.His386Gln (NM_001144997.2); c.1110T>G, p.His370Gln (NM_001367993.1); c.93T>G, p.His31Gln (NM_001367994.1); c.1437T>G, p.His479Gln (NM_001374465.1, NM_001414034.1); c.1569T>G, p.His523Gln (NM_001410977.1); c.1362T>G, p.His454Gln (NM_001414030.1); c.1350T>G, p.His450Gln (NM_001414031.1); and 3 more; short protein forms H479Q, H483Q, H31Q, H370Q, H386Q, H523Q, H366Q, H450Q.
Identifiers: ClinVar variation 1431356 (VCV001431356.5), dbSNP rs377143386, ClinGen allele CA6615957.